The following is an entry in ClinVar:

NM_080425.4(GNAS):c.1768C>T (p.Arg590Cys)

Gene: GNAS (GNAS complex locus; plus strand). Cytogenetic location: 20q13.32.
Variant type: single nucleotide variant.
Coding change: c.1768C>T on transcript NM_080425.4 (MANE Plus Clinical); coding-DNA position 1768, C replaced by T.
Protein change: p.Arg590Cys; replaces arginine 590 with cysteine.
Molecular consequence: missense variant. On other transcripts: synonymous variant (2), intron variant (3).
Genome position (GRCh38, 1-based): chr20:58,855,033, C>T. VCF-style: chr20-58855033-C-T. GRCh37 (hg19) VCF-style: chr20-57430088-C-T.
Other names: c.1581C>T, p.Ser527= (NM_001077490.3, NM_001309883.1); c.1768C>T, p.Arg590Cys (NM_001410913.1); c.*42+14147C>T (NM_016592.5); c.43+14147C>T (NM_001410912.1); c.-39+13158C>T (NM_001309861.2); short protein forms R590C.
Identifiers: ClinVar variation 4978097 (VCV004978097.1).

ClinVar aggregate classification (germline): Uncertain significance (1 of 4 stars; one submission).

Conditions:
GNAS-related disorder. Identifiers: MedGen CN380105.

gnomAD v4.1: 5 of 1,612,816 alleles (0.00031%); highest among the groups gnomAD compares: African/African-American, 0.0027%; no homozygotes.

Submission:

PreventionGenetics, part of Exact Sciences
Classification: Uncertain significance for GNAS-related condition. Last evaluated: 2025-12-29. Review status: criteria provided, single submitter. Criteria: ACMG Guidelines, 2015. Collection method: clinical testing. Allele origin: germline.
Comment: The GNAS c.1768C>T variant is predicted to result in the amino acid substitution p.Arg590Cys. To our knowledge, this variant has not been reported in the literature. This variant is reported in 0.0067% of alleles in individuals of African descent in gnomAD. At this time, the clinical significance of this variant is uncertain due to the absence of conclusive functional and genetic evidence.